The following is an entry in ClinVar:

NM_016379.4(VCX3A):c.44C>G (p.Thr15Arg)

Genes: VCX3A (variable charge X-linked 3A; minus strand), LOC106029240 (S232-VCX3A recombination region; plus strand). Cytogenetic location: Xp22.31.
Variant type: single nucleotide variant.
Coding change: c.44C>G on transcript NM_016379.4 (MANE Select); coding-DNA position 44, C replaced by G.
Protein change: p.Thr15Arg; replaces threonine 15 with arginine.
Molecular consequence: missense variant.
Genome position (GRCh38, 1-based): chrX:6,534,454, G>C on the plus strand (C>G on the coding strand, the complement: VCX3A is on the minus strand). VCF-style: chrX-6534454-G-C. GRCh37 (hg19) VCF-style: chrX-6452495-G-C.
Other names: short protein forms T15R.
Identifiers: ClinVar variation 2659911 (VCV002659911.24), dbSNP rs5934423, ClinGen allele CA10341655.

ClinVar aggregate classification (germline): Likely benign (1 of 4 stars; one submission).

Submission:

CeGaT Center for Human Genetics Tuebingen
Classification: Likely benign. Last evaluated: 2022-09-01. Review status: criteria provided, single submitter. Criteria: CeGaT Center For Human Genetics Tuebingen Variant Classification Criteria Version 2. Collection method: clinical testing. Allele origin: germline. Affected: yes. Observed: 1 variant allele.
Comment: VCX3A: BS2